The following is an entry in ClinVar:

NM_002471.4(MYH6):c.2885C>T (p.Thr962Ile)

Gene: MYH6 (myosin heavy chain 6; minus strand). Cytogenetic location: 14q11.2.
Variant type: single nucleotide variant.
Coding change: c.2885C>T on transcript NM_002471.4 (MANE Select); coding-DNA position 2885, C replaced by T.
Protein change: p.Thr962Ile; replaces threonine 962 with isoleucine.
Molecular consequence: missense variant.
Genome position (GRCh38, 1-based): chr14:23,393,709, G>A on the plus strand (C>T on the coding strand, the complement: MYH6 is on the minus strand). VCF-style: chr14-23393709-G-A. GRCh37 (hg19) VCF-style: chr14-23862918-G-A.
Other names: short protein forms T962I.
Identifiers: ClinVar variation 3876453 (VCV003876453.1).

ClinVar aggregate classification (germline): Uncertain significance (1 of 4 stars; one submission).

Conditions:
Cardiovascular phenotype. Identifiers: MedGen CN230736.

gnomAD v4.1: 1 of 1,614,172 alleles (0.000062%); highest among the groups gnomAD compares: Non-Finnish European, 0.000085%; no homozygotes.

Submission:

Ambry Genetics
Classification: Uncertain significance for Cardiovascular phenotype. Last evaluated: 2025-02-09. Review status: criteria provided, single submitter. Criteria: Ambry Variant Classification Scheme 2023. Collection method: clinical testing. Allele origin: germline.
Comment: The p.T962I variant (also known as c.2885C>T), located in coding exon 20 of the MYH6 gene, results from a C to T substitution at nucleotide position 2885. The threonine at codon 962 is replaced by isoleucine, an amino acid with similar properties. This amino acid position is conserved. In addition, this alteration is predicted to be deleterious by in silico analysis. Based on the available evidence, the clinical significance of this variant remains unclear.